The following is an entry in ClinVar:

ClinVar aggregate classification (germline): Likely pathogenic (1 of 4 stars; one submission).

Conditions:
Familial cancer of breast. Also called: Hereditary breast cancer; BREAST CANCER, FAMILIAL; hereditary breast carcinoma. Identifiers: Orphanet 227535, MedGen C0346153, MONDO:0016419, OMIM 114480. Disease mechanism: loss of function.

Submission:

Myriad Genetics, Inc.
Classification: Likely pathogenic for Familial cancer of breast. Last evaluated: 2023-06-02. Review status: criteria provided, single submitter. Criteria: Myriad Autosomal Dominant, Autosomal Recessive and X-Linked Classification Criteria (2023). Collection method: clinical testing. Allele origin: unknown.
Comment: This variant is considered likely pathogenic. This variant occurs within a consensus splice junction and is predicted to result in abnormal mRNA splicing of either an out-of-frame exon or an in-frame exon necessary for protein stability and/or normal function.

NM_032043.3(BRIP1):c.1628+1G>T

Gene: BRIP1 (BRCA1 interacting DNA helicase 1; minus strand). Cytogenetic location: 17q23.2.
Variant type: single nucleotide variant.
Coding change: c.1628+1G>T on transcript NM_032043.3 (MANE Select); the canonical splice donor site of the intron after coding-DNA position 1628, G replaced by T.
Molecular consequence: splice donor variant.
Genome position (GRCh38, 1-based): chr17:61,784,269, C>A on the plus strand (G>T on the coding strand, the complement: BRIP1 is on the minus strand). VCF-style: chr17-61784269-C-A. GRCh37 (hg19) VCF-style: chr17-59861630-C-A.
Identifiers: ClinVar variation 2583398 (VCV002583398.2), dbSNP rs1438975574, ClinGen allele CA400480846.
Genomic context (GRCh38, chr17:61,784,269, plus strand): 5'-TGCTAGCATCCAAATTAGGCTATTTTTAAAAGGAAAATACATACTAGTTATCTTCACTTA[C>A]CTGCTATTTTGCCTAAAAAGATAGTCAAGTACCATAAAAAGTCCTTTAAGCATTATTTGA-3'